The following is an entry in ClinVar:

ClinVar aggregate classification (germline): Pathogenic (1 of 4 stars; one submission).

Conditions:
Bardet-Biedl syndrome (BBS). Identifiers: Orphanet 110, MedGen C0752166, MONDO:0015229.

Submission:

Labcorp Genetics (formerly Invitae), Labcorp
Classification: Pathogenic for Bardet-Biedl syndrome. Last evaluated: 2023-09-10. Review status: criteria provided, single submitter. Criteria: Invitae Variant Classification Sherloc (09022015). Collection method: clinical testing. Allele origin: germline.
Comment: This variant has not been reported in the literature in individuals affected with BBS1-related conditions. For these reasons, this variant has been classified as Pathogenic. This variant is not present in population databases (gnomAD no frequency). This sequence change creates a premature translational stop signal (p.Lys536*) in the BBS1 gene. It is expected to result in an absent or disrupted protein product. Loss-of-function variants in BBS1 are known to be pathogenic (PMID: 12118255, 21520335, 27032803).

Literature cited by the submitters: PubMed 12118255; PubMed 21520335; PubMed 27032803.

NM_024649.5(BBS1):c.1606A>T (p.Lys536Ter)

Genes: BBS1 (Bardet-Biedl syndrome 1; plus strand), ZDHHC24 (zDHHC palmitoyltransferase 24; minus strand). Cytogenetic location: 11q13.2.
Variant type: single nucleotide variant.
Coding change: c.1606A>T on transcript NM_024649.5 (MANE Select); coding-DNA position 1606, A replaced by T.
Protein change: p.Lys536Ter; replaces lysine 536 with a stop codon.
Molecular consequence: nonsense. On other transcripts: intron variant (1).
Genome position (GRCh38, 1-based): chr11:66,531,026, A>T. VCF-style: chr11-66531026-A-T. GRCh37 (hg19) VCF-style: chr11-66298497-A-T.
Other names: c.560-1538T>A (NM_001348571.2); short protein forms K536*.
Identifiers: ClinVar variation 2759612 (VCV002759612.3), dbSNP rs766218865, ClinGen allele CA381425669.